The following is an entry in ClinVar:

NM_001037333.3(CYFIP2):c.2585+5G>A

Gene: CYFIP2 (cytoplasmic FMR1 interacting protein 2; plus strand). Cytogenetic location: 5q33.3.
Variant type: single nucleotide variant.
Coding change: c.2585+5G>A on transcript NM_001037333.3 (MANE Select); 5 bases into the intron after coding-DNA position 2585, G replaced by A.
Molecular consequence: intron variant.
Genome position (GRCh38, 1-based): chr5:157,339,261, G>A. VCF-style: chr5-157339261-G-A. GRCh37 (hg19) VCF-style: chr5-156766269-G-A.
Other names: c.2660+5G>A (NM_001291722.2); c.2507+5G>A (NM_001291721.2); c.2585+5G>A (NM_014376.4).
Identifiers: ClinVar variation 1436622 (VCV001436622.6), dbSNP rs1385946866, ClinGen allele CA563959778.

ClinVar aggregate classification (germline): Uncertain significance (1 of 4 stars; one submission).

Allele frequency attached by ClinVar (database versions not stated): gnomAD exomes below 0.00001.
gnomAD v4.1: 3 of 1,613,252 alleles (0.00019%); highest among the groups gnomAD compares: Non-Finnish European, 0.00025%; no homozygotes.

Submission:

Labcorp Genetics (formerly Invitae), Labcorp
Classification: Uncertain significance. Last evaluated: 2022-09-01. Review status: criteria provided, single submitter. Criteria: Invitae Variant Classification Sherloc (09022015). Collection method: clinical testing. Allele origin: germline.
Comment: In summary, the available evidence is currently insufficient to determine the role of this variant in disease. Therefore, it has been classified as a Variant of Uncertain Significance. Variants that disrupt the consensus splice site are a relatively common cause of aberrant splicing (PMID: 17576681, 9536098). Algorithms developed to predict the effect of sequence changes on RNA splicing suggest that this variant may disrupt the consensus splice site. ClinVar contains an entry for this variant (Variation ID: 1436622). This variant has not been reported in the literature in individuals affected with CYFIP2-related conditions. This variant is present in population databases (no rsID available, gnomAD 0.0009%). This sequence change falls in intron 22 of the CYFIP2 gene. It does not directly change the encoded amino acid sequence of the CYFIP2 protein. It affects a nucleotide within the consensus splice site.

Literature cited by the submitters: PubMed 17576681; PubMed 9536098.